The following is an entry in ClinVar:

NM_001943.5(DSG2):c.3198A>G (p.Glu1066=)

Genes: DSG2 (desmoglein 2; plus strand), DSG2-AS1 (DSG2 antisense RNA 1; minus strand). Cytogenetic location: 18q12.1.
Variant type: single nucleotide variant.
Coding change: c.3198A>G on transcript NM_001943.5 (MANE Select); coding-DNA position 3198, A replaced by G.
Protein change: p.Glu1066=; no amino-acid change (glutamic acid 1066 retained).
Molecular consequence: synonymous variant.
Genome position (GRCh38, 1-based): chr18:31,546,584, A>G. VCF-style: chr18-31546584-A-G. GRCh37 (hg19) VCF-style: chr18-29126547-A-G.
Identifiers: ClinVar variation 179064 (VCV000179064.13), dbSNP rs727504601, ClinGen allele CA022017.
Genomic context (GRCh38, chr18:31,546,584, plus strand): 5'-GACAGAAAGAGTTCTAGCACCTGCTTCCACTCTGCAATCCAGTTACCAGATTCCCACTGA[A>G]AATTCTATGACGGCTAGGAACACCACGGTGTCTGGAGCTGGAGTCCCTGGCCCTCTGCCA-3'
Protein context (NP_001934.2, residues 1056-1076): TLQSSYQIPT[Glu1066=]NSMTARNTTV

ClinVar aggregate classification (germline): Likely benign. Review status: criteria provided, multiple submitters, no conflicts (2 of 4 stars). 3 submissions from 3 submitters: Likely benign (3). Last evaluated 2025-11-07.

Conditions:
Cardiovascular phenotype. Identifiers: MedGen CN230736.
Arrhythmogenic right ventricular dysplasia 10. Also called: Arrhythmogenic Right Ventricular Dysplasia/Cardiomyopathy10; ARRHYTHMOGENIC RIGHT VENTRICULAR DYSPLASIA, FAMILIAL, 10; Arrhythmogenic right ventricular dysplasia/cardiomyopathy, type 10. Identifiers: MedGen C1857777, MONDO:0012434, OMIM 610193.

Allele frequency attached by ClinVar (database versions not stated): gnomAD exomes below 0.00001; ExAC 0.00001.
gnomAD v4.1: 6 of 1,614,200 alleles (0.00037%); highest among the groups gnomAD compares: Non-Finnish European, 0.00051%; no homozygotes.

Submissions (3):

Ambry Genetics
Classification: Likely benign for Cardiovascular phenotype. Last evaluated: 2025-11-07. Review status: criteria provided, single submitter. Criteria: Ambry Variant Classification Scheme 2023. Collection method: clinical testing. Allele origin: germline.

Labcorp Genetics (formerly Invitae), Labcorp
Classification: Likely benign for Arrhythmogenic right ventricular dysplasia 10. Last evaluated: 2020-06-21. Review status: criteria provided, single submitter. Criteria: Invitae Variant Classification Sherloc (09022015). Collection method: clinical testing. Allele origin: germline.

Laboratory for Molecular Medicine, Mass General Brigham Personalized Medicine
Classification: Likely benign. Last evaluated: 2013-06-12. Review status: criteria provided, single submitter. Criteria: LMM Criteria. Collection method: clinical testing. Allele origin: germline. Observed: 1 variant allele.
Comment: Glu1066Glu in exon 15 of DSG2: This variant is not expected to have clinical sig nificance because it does not alter an amino acid residue and is not located wit hin the splice consensus sequence. Glu1066Glu in exon 15 of DSG2 (allele freque ncy = n/a)